The following is an entry in ClinVar:

NM_004318.4(ASPH):c.1517A>T (p.Glu506Val)

Gene: ASPH (aspartate beta-hydroxylase; minus strand). Cytogenetic location: 8q12.3.
Variant type: single nucleotide variant.
Coding change: c.1517A>T on transcript NM_004318.4 (MANE Select); coding-DNA position 1517, A replaced by T.
Protein change: p.Glu506Val; replaces glutamic acid 506 with valine.
Molecular consequence: missense variant.
Genome position (GRCh38, 1-based): chr8:61,555,943, T>A on the plus strand (A>T on the coding strand, the complement: ASPH is on the minus strand). VCF-style: chr8-61555943-T-A. GRCh37 (hg19) VCF-style: chr8-62468502-T-A.
Other names: c.1430A>T, p.Glu477Val (NM_001164750.2, NM_001413864.1, NM_001413865.1 and 1 more transcripts); c.1517A>T, p.Glu506Val (NM_001413844.1, NM_001413849.1, NM_001413891.1); c.1562A>T, p.Glu521Val (NM_001413845.1); c.1559A>T, p.Glu520Val (NM_001413846.1); c.1460A>T, p.Glu487Val (NM_001413847.1, NM_001413860.1, NM_001413896.1); c.1520A>T, p.Glu507Val (NM_001413848.1); c.1514A>T, p.Glu505Val (NM_001413850.1, NM_001413851.1, NM_001413893.1); c.1505A>T, p.Glu502Val (NM_001413852.1); and 33 more; short protein forms E373V, E404V, E429V, E430V, E434V, E473V, E486V, E487V.
Identifiers: ClinVar variation 2198759 (VCV002198759.2), dbSNP rs369603667, ClinGen allele CA4761704.

ClinVar aggregate classification (germline): Uncertain significance. Review status: criteria provided, multiple submitters, no conflicts (2 of 4 stars). 2 submissions from 2 submitters: Uncertain significance (2). Last evaluated 2024-01-03.

Conditions:
Inborn genetic diseases. Identifiers: MedGen C0950123, MeSH D030342.

Allele frequency attached by ClinVar (database versions not stated): gnomAD exomes 0.00003; ExAC 0.00016; gnomAD 0.00036; ESP Exome Variant Server 0.00046; TOPMed 0.00046.
gnomAD v4.1: 115 of 1,613,910 alleles (0.0071%); highest among the groups gnomAD compares: African/African-American, 0.12%; no homozygotes.

Submissions (2):

Ambry Genetics
Classification: Uncertain significance for Inborn genetic diseases. Last evaluated: 2024-01-03. Review status: criteria provided, single submitter. Criteria: Ambry Variant Classification Scheme 2023. Collection method: clinical testing. Allele origin: germline.

Labcorp Genetics (formerly Invitae), Labcorp
Classification: Uncertain significance. Last evaluated: 2022-06-13. Review status: criteria provided, single submitter. Criteria: Invitae Variant Classification Sherloc (09022015). Collection method: clinical testing. Allele origin: germline.
Comment: This sequence change replaces glutamic acid, which is acidic and polar, with valine, which is neutral and non-polar, at codon 506 of the ASPH protein (p.Glu506Val). This variant is present in population databases (rs369603667, gnomAD 0.1%). This variant has not been reported in the literature in individuals affected with ASPH-related conditions. Algorithms developed to predict the effect of missense changes on protein structure and function are either unavailable or do not agree on the potential impact of this missense change (SIFT: "Deleterious"; PolyPhen-2: "Possibly Damaging"; Align-GVGD: "Class C0"). Algorithms developed to predict the effect of sequence changes on RNA splicing suggest that this variant may create or strengthen a splice site. In summary, the available evidence is currently insufficient to determine the role of this variant in disease. Therefore, it has been classified as a Variant of Uncertain Significance.